The following is an entry in ClinVar:

ClinVar aggregate classification (germline): Uncertain significance. Review status: criteria provided, multiple submitters, no conflicts (2 of 4 stars). 2 submissions from 2 submitters: Uncertain significance (2). Last evaluated 2025-04-01.

Conditions:
Hereditary cancer-predisposing syndrome. Also called: Hereditary Cancer Syndrome; Tumor predisposition; Neoplastic Syndromes, Hereditary; Hereditary neoplastic syndrome. Identifiers: Orphanet 140162, MedGen C0027672, MeSH D009386, MONDO:0015356.
DICER1-related tumor predisposition. Also called: DICER1-related pleuropulmonary blastoma cancer predisposition syndrome; DICER1 syndrome. Identifiers: Orphanet 284343, MedGen C3839822, MONDO:0100216.

Submissions (2):

Labcorp Genetics (formerly Invitae), Labcorp
Classification: Uncertain significance for DICER1-related tumor predisposition. Last evaluated: 2025-04-01. Review status: criteria provided, single submitter. Criteria: Invitae Variant Classification Sherloc (09022015). Collection method: clinical testing. Allele origin: germline.
Comment: This sequence change replaces glycine, which is neutral and non-polar, with arginine, which is basic and polar, at codon 1245 of the DICER1 protein (p.Gly1245Arg). This variant is not present in population databases (gnomAD no frequency). This variant has not been reported in the literature in individuals affected with DICER1-related conditions. ClinVar contains an entry for this variant (Variation ID: 3229391). Invitae Evidence Modeling of protein sequence and biophysical properties (such as structural, functional, and spatial information, amino acid conservation, physicochemical variation, residue mobility, and thermodynamic stability) indicates that this missense variant is not expected to disrupt DICER1 protein function with a negative predictive value of 95%. In summary, the available evidence is currently insufficient to determine the role of this variant in disease. Therefore, it has been classified as a Variant of Uncertain Significance.

Ambry Genetics
Classification: Uncertain significance for Hereditary cancer-predisposing syndrome. Last evaluated: 2023-09-24. Review status: criteria provided, single submitter. Criteria: Ambry Variant Classification Scheme 2023. Collection method: clinical testing. Allele origin: germline.
Comment: The p.G1245R variant (also known as c.3733G>A), located in coding exon 20 of the DICER1 gene, results from a G to A substitution at nucleotide position 3733. The glycine at codon 1245 is replaced by arginine, an amino acid with dissimilar properties. This amino acid position is conserved. In addition, this alteration is predicted to be deleterious by in silico analysis. Since supporting evidence is limited at this time, the clinical significance of this alteration remains unclear.

NM_177438.3(DICER1):c.3733G>A (p.Gly1245Arg)

Gene: DICER1 (dicer 1, ribonuclease III; minus strand). Cytogenetic location: 14q32.13.
Variant type: single nucleotide variant.
Coding change: c.3733G>A on transcript NM_177438.3 (MANE Select); coding-DNA position 3733, G replaced by A.
Protein change: p.Gly1245Arg; replaces glycine 1245 with arginine.
Molecular consequence: missense variant. On other transcripts: non-coding transcript variant (6).
Genome position (GRCh38, 1-based): chr14:95,103,663, C>T on the plus strand (G>A on the coding strand, the complement: DICER1 is on the minus strand). VCF-style: chr14-95103663-C-T. GRCh37 (hg19) VCF-style: chr14-95570000-C-T.
Other names: c.3733G>A, p.Gly1245Arg (NM_001195573.1, NM_001271282.3, NM_001291628.2 and 13 more transcripts); c.3451G>A, p.Gly1151Arg (NM_001395686.1); c.3328G>A, p.Gly1110Arg (NM_001395687.1, NM_001395688.1, NM_001395689.1 and 2 more transcripts); c.3166G>A, p.Gly1056Arg (NM_001395691.1); c.2050G>A, p.Gly684Arg (NM_001395697.1); short protein forms G1056R, G1110R, G1151R, G1245R, G684R.
Identifiers: ClinVar variation 3229391 (VCV003229391.2), dbSNP rs2139960917, ClinGen allele CA390874222.